The following is an entry in ClinVar:

ClinVar aggregate classification (germline): Conflicting classifications of pathogenicity. Review status: criteria provided, conflicting classifications (1 of 4 stars). 13 submissions from 9 submitters: Uncertain significance (9); Likely benign (4). Last evaluated 2025-12-09.

Conditions:
TTN-related disorder. Also called: TTN-related disorders; TTN-related condition; TTN-related disease.
Dilated cardiomyopathy 1G (CMD1G). Identifiers: Orphanet 154, MedGen C1858763, MONDO:0011400, OMIM 604145.
Tibial muscular dystrophy (TMD). Also called: Tibial muscular dystrophy, tardive; Udd Distal Myopathy – Tibial Muscular Dystrophy; UDD MYOPATHY. Identifiers: Orphanet 609, MedGen C1838244, MONDO:0010870, OMIM 600334.
Early-onset myopathy with fatal cardiomyopathy (CMYO5). Also called: CONGENITAL MYOPATHY 5 WITH CARDIOMYOPATHY; Salih Myopathy. Identifiers: Orphanet 289377, MedGen C2673677, MONDO:0012714, OMIM 611705. Disease mechanism: loss of function.
Autosomal recessive limb-girdle muscular dystrophy type 2J (LGMDR10). Also called: Limb-girdle muscular dystrophy, type 2J; MUSCULAR DYSTROPHY, LIMB-GIRDLE, AUTOSOMAL RECESSIVE 10. Identifiers: Orphanet 140922, MedGen C1837342, MONDO:0012127, OMIM 608807.
Myopathy, myofibrillar, 9, with early respiratory failure (MFM9). Also called: Myopathy, distal, with early respiratory failure, autosomal dominant; MYOPATHY, PROXIMAL, WITH EARLY RESPIRATORY MUSCLE INVOLVEMENT; Hereditary myopathy with early respiratory failure; EDSTROM MYOPATHY. Identifiers: Orphanet 178464, Orphanet 34521, MedGen C1863599, MONDO:0011362, OMIM 603689.

Allele frequency attached by ClinVar (database versions not stated): gnomAD exomes 0.00005 and 0.00006; ExAC 0.00007; gnomAD 0.00009; TOPMed 0.00021.
gnomAD v4.1: 90 of 1,612,648 alleles (0.0056%); highest among the groups gnomAD compares: Admixed American, 0.018%; 1 homozygote.

Submissions (13):

PreventionGenetics, part of Exact Sciences
Classification: Uncertain significance for TTN-related condition. Last evaluated: 2025-12-09. Review status: criteria provided, single submitter. Criteria: ACMG Guidelines, 2015. Collection method: clinical testing. Allele origin: germline.
Comment: The TTN c.44734C>T variant is predicted to result in the amino acid substitution p.His14912Tyr. To our knowledge, this variant has not been reported in the literature. This variant is reported in 0.039% of alleles in individuals of Ashkenazi Jewish descent in gnomAD. At this time, the clinical significance of this variant is uncertain due to the absence of conclusive functional and genetic evidence.

Women's Health and Genetics/Laboratory Corporation of America, LabCorp
Classification: Uncertain significance. Last evaluated: 2025-03-17. Review status: criteria provided, single submitter. Criteria: LabCorp Variant Classification Summary - May 2015. Collection method: clinical testing. Allele origin: germline.
Comment: Variant summary: TTN c.37030C>T (p.His12344Tyr) results in a conservative amino acid change located in the I-band region of the encoded protein sequence. Four of five in-silico tools predict a benign effect of the variant on protein function. The variant allele was found at a frequency of 6e-05 in 247982 control chromosomes. This frequency is not significantly higher than estimated for a pathogenic variant in TTN causing Autosomal Recessive Titinopathy (6e-05 vs 0.00039), allowing no conclusion about variant significance. To our knowledge, no occurrence of c.37030C>T in individuals affected with Autosomal Recessive Titinopathy and no experimental evidence demonstrating its impact on protein function have been reported. ClinVar contains an entry for this variant (Variation ID: 229438). Based on the evidence outlined above, the variant was classified as uncertain significance.

ARUP Laboratories, Molecular Genetics and Genomics, ARUP Laboratories
Classification: Uncertain significance. Last evaluated: 2024-10-29. Review status: criteria provided, single submitter. Criteria: ARUP Molecular Germline Variant Investigation Process 2024. Collection method: clinical testing. Allele origin: germline.
Comment: The TTN c.44734C>T; p.His14912Tyr variant (rs766391823; ClinVar Variation ID: 229438) is rare in the general population (<0.2% allele frequency in the Genome Aggregation Database) and has not been reported in the medical literature in association with dilated cardiomyopathy (DCM) or other TTN-related disease. The clinical relevance of rare missense variants in this gene, which are identified on average once per individual sequenced in affected populations (Herman 2012), is not well understood. Yet, evidence suggests that the vast majority of such missense variants do not contribute to the clinical outcome of DCM (Begay 2015). Thus, the clinical significance of the p.His14912Tyr variant cannot be determined with certainty. References: Begay RL et al. Role of Titin Missense Variants in Dilated Cardiomyopathy. J Am Heart Assoc. 2015 Nov 13;4(11). PMID: 26567375. Herman DS et al. Truncations of titin causing dilated cardiomyopathy. N Engl J Med. 2012 Feb 16;366(7):619-28. PMID: 22335739. Linke WA and Hamdani N. Gigantic business: titin properties and function through thick and thin. Circ Res 2014; 114(6): 1052-1068. PMID: 24625729.

Blueprint Genetics
Classification: Likely benign. Last evaluated: 2024-09-23. Review status: criteria provided, single submitter. Criteria: ACMG Guidelines, 2015. Collection method: clinical testing. Allele origin: germline.

Revvity Omics, Revvity
Classification: Uncertain significance. Last evaluated: 2022-12-09. Review status: criteria provided, single submitter. Criteria: ACMG Guidelines, 2015. Collection method: clinical testing. Allele origin: germline.

GeneDx
Classification: Likely benign. Last evaluated: 2019-04-18. Review status: criteria provided, single submitter. Criteria: GeneDx Variant Classification Process June 2021. Collection method: clinical testing. Allele origin: germline. Affected: yes.

Eurofins Ntd Llc (ga)
Classification: Uncertain significance. Last evaluated: 2018-06-13. Review status: criteria provided, single submitter. Criteria: EGL ClinVar v180209 classification definitions. Collection method: clinical testing. Allele origin: germline. Observed: 1 variant allele, 1 heterozygote.

Illumina Laboratory Services, Illumina
Classification: Uncertain significance for Autosomal recessive limb-girdle muscular dystrophy type 2J. Last evaluated: 2018-01-12. Review status: criteria provided, single submitter. Criteria: ICSL Variant Classification Criteria 13 December 2019. Collection method: clinical testing. Allele origin: germline.

Illumina Laboratory Services, Illumina
Classification: Uncertain significance for Dilated cardiomyopathy 1G. Last evaluated: 2018-01-12. Review status: criteria provided, single submitter. Criteria: ICSL Variant Classification Criteria 13 December 2019. Collection method: clinical testing. Allele origin: germline.

Illumina Laboratory Services, Illumina
Classification: Uncertain significance for Early-onset myopathy with fatal cardiomyopathy. Last evaluated: 2018-01-12. Review status: criteria provided, single submitter. Criteria: ICSL Variant Classification Criteria 13 December 2019. Collection method: clinical testing. Allele origin: germline.

Illumina Laboratory Services, Illumina
Classification: Likely benign for Myopathy, myofibrillar, 9, with early respiratory failure. Last evaluated: 2018-01-12. Review status: criteria provided, single submitter. Criteria: ICSL Variant Classification Criteria 13 December 2019. Collection method: clinical testing. Allele origin: germline.
Comment: This variant was observed in the ICSL laboratory as part of a predisposition screen in an ostensibly healthy population. It had not been previously curated by ICSL or reported in the Human Gene Mutation Database (HGMD: prior to June 1st, 2018), and was therefore a candidate for classification through an automated scoring system. Utilizing variant allele frequency, disease prevalence and penetrance estimates, and inheritance mode, an automated score was calculated to assess if this variant is too frequent to cause the disease. Based on the score and internal cut-off values, a variant classified as likely benign is not then subjected to further curation. The score for this variant resulted in a classification of likely benign for this disease.

Illumina Laboratory Services, Illumina
Classification: Likely benign for Tibial muscular dystrophy. Last evaluated: 2018-01-12. Review status: criteria provided, single submitter. Criteria: ICSL Variant Classification Criteria 13 December 2019. Collection method: clinical testing. Allele origin: germline.
Comment: the same text as in the submission from Illumina Laboratory Services, Illumina above.

Laboratory for Molecular Medicine, Mass General Brigham Personalized Medicine
Classification: Uncertain significance. Last evaluated: 2015-05-07. Review status: criteria provided, single submitter. Criteria: LMM Criteria. Collection method: clinical testing. Allele origin: germline. Observed: 1 variant allele.
Comment: The p.His12344Tyr variant in TTN has not been previously reported in individuals with cardiomyopathy, but has been identified in 7/66570 European chromosomes by the Exome Aggregation Consortium (ExAC). Comput ational prediction tools and conservation analysis do not provide strong support for or against an impact to the protein, though 1 species (lizard) carries a ty rosine (Tyr) at this position raising the possibility that this change may be to lerated. In summary, the clinical significance of the p.His12344Tyr variant is u ncertain.

NM_001267550.2(TTN):c.44734C>T (p.His14912Tyr)

Gene: TTN (titin; minus strand). Cytogenetic location: 2q31.2.
Variant type: single nucleotide variant.
Coding change: c.44734C>T on transcript NM_001267550.2 (MANE Select); coding-DNA position 44734, C replaced by T.
Protein change: p.His14912Tyr; replaces histidine 14912 with tyrosine.
Molecular consequence: missense variant.
Genome position (GRCh38, 1-based): chr2:178,624,546, G>A on the plus strand (C>T on the coding strand, the complement: TTN is on the minus strand). VCF-style: chr2-178624546-G-A. GRCh37 (hg19) VCF-style: chr2-179489273-G-A.
Other names: c.39811C>T, p.His13271Tyr (NM_001256850.1); c.17539C>T, p.His5847Tyr (NM_003319.4); c.17914C>T, p.His5972Tyr (NM_133432.3); c.18115C>T, p.His6039Tyr (NM_133437.4); c.37030C>T, p.His12344Tyr (NM_133378.4); short protein forms H12344Y, H14912Y, H13271Y, H5847Y, H5972Y, H6039Y.
Identifiers: ClinVar variation 229438 (VCV000229438.22), dbSNP rs766391823, ClinGen allele CA1995587.
Genomic context (GRCh38, chr2:178,624,546, plus strand): 5'-AAGTCTTAAAATCCTTAGCATCACAAGTGTATGTTTTAATATCCTCTGGGGTACAGTCAT[G>A]TATAACAAGTTTTCTGACCCTGCCATCAGCAACAATTTCATACTTCTTGCTTTTGAGGAT-3'
Protein context (NP_001254479.2, residues 14902-14922): ADGRVRKLVI[His14912Tyr]DCTPEDIKTY